The following is an entry in ClinVar:

ClinVar aggregate classification (germline): Uncertain significance. Review status: criteria provided, multiple submitters, no conflicts (2 of 4 stars). 3 submissions from 3 submitters: Uncertain significance (3). Last evaluated 2025-12-02.

Conditions:
Primary dilated cardiomyopathy (DCM). Also called: Dilated Cardiomyopathy. Identifiers: Orphanet 217604, MedGen C0007193, MeSH D002311, MONDO:0005021, HP:0001644. Inheritance: Various modes of inheritance.

Allele frequency attached by ClinVar (database versions not stated): gnomAD 0.00004 and 0.00003; ESP Exome Variant Server 0.00008; gnomAD exomes 0.00008; ExAC 0.00012; TOPMed 0.00002.
gnomAD v4.1: 83 of 1,586,598 alleles (0.0052%); highest among the groups gnomAD compares: Non-Finnish European, 0.0056%; no homozygotes.

Submissions (3):

Ambry Genetics
Classification: Uncertain significance. Last evaluated: 2025-12-02. Review status: criteria provided, single submitter. Criteria: Ambry Variant Classification Scheme 2023. Collection method: clinical testing. Allele origin: germline.

Labcorp Genetics (formerly Invitae), Labcorp
Classification: Uncertain significance for Primary dilated cardiomyopathy. Last evaluated: 2022-03-09. Review status: criteria provided, single submitter. Criteria: Invitae Variant Classification Sherloc (09022015). Collection method: clinical testing. Allele origin: germline.
Comment: This variant has not been reported in the literature in individuals affected with NEBL-related conditions. In summary, the available evidence is currently insufficient to determine the role of this variant in disease. Therefore, it has been classified as a Variant of Uncertain Significance. Algorithms developed to predict the effect of missense changes on protein structure and function (SIFT, PolyPhen-2, Align-GVGD) all suggest that this variant is likely to be tolerated. ClinVar contains an entry for this variant (Variation ID: 45477). This variant is present in population databases (rs375569591, gnomAD 0.01%). This sequence change replaces tyrosine, which is neutral and polar, with serine, which is neutral and polar, at codon 402 of the NEBL protein (p.Tyr402Ser).

Laboratory for Molecular Medicine, Mass General Brigham Personalized Medicine
Classification: Uncertain significance. Last evaluated: 2012-12-28. Review status: criteria provided, single submitter. Criteria: LMM Criteria. Collection method: clinical testing. Allele origin: germline. Observed: 1 variant allele.
Comment: This variant has been identified in 1/8600 European American chrom osomes from a broad population by the NHLBI Exome Sequencing Project (.). The affected amino acid is not well conserved in evolu tion, suggesting that this change may be tolerated. This is also supported by co mputational predictions (AlignGVGD, PolyPhen2, and SIFT), though this informatio n is not predictive enough to rule out pathogenicity. Additional information is needed to fully assess the clinical significance of the Tyr402Ser variant.

NM_006393.3(NEBL):c.1205A>C (p.Tyr402Ser)

Gene: NEBL (nebulette; minus strand). Cytogenetic location: 10p12.31.
Variant type: single nucleotide variant.
Coding change: c.1205A>C on transcript NM_006393.3 (MANE Select); coding-DNA position 1205, A replaced by C.
Protein change: p.Tyr402Ser; replaces tyrosine 402 with serine.
Molecular consequence: missense variant. On other transcripts: intron variant (9).
Genome position (GRCh38, 1-based): chr10:20,845,280, T>G on the plus strand (A>C on the coding strand, the complement: NEBL is on the minus strand). VCF-style: chr10-20845280-T-G. GRCh37 (hg19) VCF-style: chr10-21134209-T-G.
Other names: c.250-32340A>C (NM_001377326.1, NM_001377327.1, NM_001377328.1); c.358-32340A>C (NM_213569.2, NM_001173484.2, NM_001377322.1); c.301-32340A>C (NM_001377324.1); c.292-32340A>C (NM_001377325.1); c.310-32340A>C (NM_001377323.1); short protein forms Y402S.
Identifiers: ClinVar variation 45477 (VCV000045477.16), dbSNP rs375569591, ClinGen allele CA136393.